The following is an entry in ClinVar:

ClinVar aggregate classification (germline): Conflicting classifications of pathogenicity. Review status: criteria provided, conflicting classifications (1 of 4 stars). 3 submissions from 3 submitters: Uncertain significance (2); Likely benign (1). Last evaluated 2025-12-20.

Conditions:
Glomerulopathy with fibronectin deposits 2 (GFND2). Identifiers: Orphanet 84090, MedGen C1866075, MONDO:0011165, OMIM 601894.
Spondylometaphyseal dysplasia - Sutcliffe type. Also called: Sutcliffe type of spondylometaphyseal dysplasia; Sutcliffe SMD; Spondylometaphyseal dysplasia, 'corner fracture' type; Spondylometaphyseal Dysplasia, Corner Fracture Type. Identifiers: Orphanet 93315, MedGen C0432221, MONDO:0008479, OMIM 184255.
Inborn genetic diseases. Identifiers: MedGen C0950123, MeSH D030342.

Allele frequency attached by ClinVar (database versions not stated): gnomAD exomes 0.00002; gnomAD 0.00003; TOPMed 0.00003; ExAC 0.00004.
gnomAD v4.1: 34 of 1,613,974 alleles (0.0021%); highest among the groups gnomAD compares: Middle Eastern, 0.033%; no homozygotes.

Submissions (3):

Labcorp Genetics (formerly Invitae), Labcorp
Classification: Uncertain significance. Last evaluated: 2025-12-20. Review status: criteria provided, single submitter. Criteria: Invitae Variant Classification Sherloc (09022015). Collection method: clinical testing. Allele origin: germline.
Comment: This sequence change replaces serine, which is neutral and polar, with leucine, which is neutral and non-polar, at codon 1866 of the FN1 protein (p.Ser1866Leu). This variant is present in population databases (rs750049518, gnomAD 0.02%). This variant has not been reported in the literature in individuals affected with FN1-related conditions. ClinVar contains an entry for this variant (Variation ID: 2196841). An algorithm developed to predict the effect of missense changes on protein structure and function (PolyPhen-2) suggests that this variant is likely to be tolerated. In summary, the available evidence is currently insufficient to determine the role of this variant in disease. Therefore, it has been classified as a Variant of Uncertain Significance.

Ambry Genetics
Classification: Likely benign for Inborn genetic diseases. Last evaluated: 2025-12-04. Review status: criteria provided, single submitter. Criteria: Ambry Variant Classification Scheme 2023. Collection method: clinical testing. Allele origin: germline.

Fulgent Genetics
Classification: Uncertain significance for Spondylometaphyseal dysplasia - Sutcliffe type; Glomerulopathy with fibronectin deposits 2. Last evaluated: 2024-05-21. Review status: criteria provided, single submitter. Criteria: ACMG Guidelines, 2015. Collection method: clinical testing. Allele origin: germline.

NM_212482.4(FN1):c.5597C>T (p.Ser1866Leu)

Gene: FN1 (fibronectin 1; minus strand). Cytogenetic location: 2q35.
Variant type: single nucleotide variant.
Coding change: c.5597C>T on transcript NM_212482.4 (MANE Select); coding-DNA position 5597, C replaced by T.
Protein change: p.Ser1866Leu; replaces serine 1866 with leucine.
Molecular consequence: missense variant.
Genome position (GRCh38, 1-based): chr2:215,379,155, G>A on the plus strand (C>T on the coding strand, the complement: FN1 is on the minus strand). VCF-style: chr2-215379155-G-A. GRCh37 (hg19) VCF-style: chr2-216243878-G-A.
Other names: c.5597C>T, p.Ser1866Leu (NM_001306129.2); c.5327C>T, p.Ser1776Leu (NM_001306130.2, NM_001365517.2, NM_001365519.2 and 2 more transcripts); c.5054C>T, p.Ser1685Leu (NM_001306131.2, NM_001306132.2, NM_001365523.2 and 2 more transcripts); c.5324C>T, p.Ser1775Leu (NM_001365518.2, NM_001365520.2, NM_001365524.2 and 2 more transcripts); c.5597C>T (NM_212482.1); short protein forms S1775L, S1776L, S1866L, S1685L.
Identifiers: ClinVar variation 2196841 (VCV002196841.6), dbSNP rs750049518, ClinGen allele CA2094107.